The following is an entry in ClinVar:

NM_014495.4(ANGPTL3):c.19CTT[1] (p.Leu8del)

Genes: ANGPTL3 (angiopoietin like 3; plus strand), DOCK7 (dedicator of cytokinesis 7; minus strand). Cytogenetic location: 1p31.3.
Variant type: Microsatellite.
Coding change: c.19CTT[1] on transcript NM_014495.4 (MANE Select); one copy of the 3-base unit CTT starting at c.19; the reference has two copies in a row; one copy, 3 bases deleted.
Protein change: p.Leu8del; deletes leucine 8.
Molecular consequence: inframe deletion. On other transcripts: intron variant (7).
Genome position (GRCh38, 1-based): chr1:62,597,588-62,597,590, CTT deleted; deleting any 3 consecutive bases within chr1:62,597,585-62,597,590 gives the same sequence; the position shown is the placement nearest the transcript's 3' end. VCF-style (leftmost placement, unchanged base first): chr1-62597584-CCTT-C. GRCh37 (hg19) VCF-style: chr1-63063255-CCTT-C.
Other names: c.1683-10963_1683-10961del (NM_001272001.2, NM_001272000.2, NM_033407.4 and 4 more transcripts); short protein forms L8del.
Identifiers: ClinVar variation 1947363 (VCV001947363.5), dbSNP rs2525839572, ClinGen allele CA2580611455.
Genomic context (GRCh38, chr1:62,597,584, plus strand): 5'-GAAAACAGTTCCACGTTGCTTGAAATTGAAAATCAAGATAAAAATGTTCACAATTAAGCT[CCTT>C]CTTTTTATTGTTCCTCTAGTTATTTCCTCCAGAATTGATCAAGACAATTCATCATTTGAT-3'

ClinVar aggregate classification (germline): Uncertain significance (1 of 4 stars; one submission).

Submission:

Labcorp Genetics (formerly Invitae), Labcorp
Classification: Uncertain significance. Last evaluated: 2022-10-17. Review status: criteria provided, single submitter. Criteria: Invitae Variant Classification Sherloc (09022015). Collection method: clinical testing. Allele origin: germline.
Comment: In summary, the available evidence is currently insufficient to determine the role of this variant in disease. Therefore, it has been classified as a Variant of Uncertain Significance. Experimental studies and prediction algorithms are not available or were not evaluated, and the functional significance of this variant is currently unknown. This variant has not been reported in the literature in individuals affected with ANGPTL3-related conditions. This variant is not present in population databases (gnomAD no frequency). This variant, c.22_24del, results in the deletion of 1 amino acid(s) of the ANGPTL3 protein (p.Leu8del), but otherwise preserves the integrity of the reading frame.